The following is an entry in ClinVar:

NM_000180.4(GUCY2D):c.1089_1113del (p.Glu363fs)

Gene: GUCY2D (guanylate cyclase 2D, retinal; plus strand). Cytogenetic location: 17p13.1.
Variant type: Deletion.
Coding change: c.1089_1113del on transcript NM_000180.4 (MANE Select); coding-DNA positions 1089 to 1113, 25 bases deleted (AGCGCGGGCTGCCGCAGGTGGCAGA).
Protein change: p.Glu363fs; shifts the reading frame from glutamic acid 363.
Molecular consequence: frameshift variant.
Genome position (GRCh38, 1-based): chr17:8,006,425-8,006,449, AGCGCGGGCTGCCGCAGGTGGCAGA deleted; deleting any 25 consecutive bases within chr17:8,006,417-8,006,449 gives the same sequence; the c. name uses the placement nearest the transcript's 3' end. VCF-style (leftmost placement, unchanged base first): chr17-8006416-CGTGGCAGAAGCGCGGGCTGCCGCAG-C. GRCh37 (hg19) VCF-style: chr17-7909734-CGTGGCAGAAGCGCGGGCTGCCGCAG-C.
Other names: short protein forms E363fs.
Identifiers: ClinVar variation 2947711 (VCV002947711.3), dbSNP rs2545420133, ClinGen allele CA2740095231.
Genomic context (GRCh38, chr17:8,006,416, plus strand): 5'-TCTCCAGGTCTCCCCACTCTTTGGCACCATCTATGACGCGGTCTTCTTGCTGGCAAGGGG[CGTGGCAGAAGCGCGGGCTGCCGCAG>C]GTGGCAGATGGGTGTCCGGAGCAGCTGTGGCCCGCCACATCCGGGATGCGCAGGTCCCTG-3'

ClinVar aggregate classification (germline): Pathogenic (1 of 4 stars; one submission).

Conditions:
Cone-rod dystrophy 6 (CORD6). Also called: Cone dystrophy progressive; RETINAL CONE DYSTROPHY 2. Identifiers: Orphanet 1872, MedGen C1866293, MONDO:0011143, OMIM 601777.
Leber congenital amaurosis 1 (LCA1). Also called: Congenital absence of the rods and cones; Leber's congenital tapetoretinal degeneration; Leber's congenital tapetoretinal dysplasia; AMAUROSIS CONGENITA OF LEBER I; RETINAL BLINDNESS, CONGENITAL. Identifiers: Orphanet 65, MedGen C2931258, MONDO:0008764, OMIM 204000.

Submission:

Labcorp Genetics (formerly Invitae), Labcorp
Classification: Pathogenic for Leber congenital amaurosis 1; Cone-rod dystrophy 6. Last evaluated: 2023-05-13. Review status: criteria provided, single submitter. Criteria: Invitae Variant Classification Sherloc (09022015). Collection method: clinical testing. Allele origin: germline.
Comment: This sequence change creates a premature translational stop signal (p.Glu363Aspfs*24) in the GUCY2D gene. It is expected to result in an absent or disrupted protein product. Loss-of-function variants in GUCY2D are known to be pathogenic (PMID: 10951519, 11328726). This variant is not present in population databases (gnomAD no frequency). This variant has not been reported in the literature in individuals affected with GUCY2D-related conditions. For these reasons, this variant has been classified as Pathogenic.

Literature cited by the submitters: PubMed 10951519; PubMed 11328726.